The following is an entry in ClinVar:

ClinVar aggregate classification (germline): Uncertain significance (1 of 4 stars; one submission).

Allele frequency attached by ClinVar (database versions not stated): gnomAD 0.00001; TOPMed 0.00002.
gnomAD v4.1: 3 of 1,198,940 alleles (0.00025%); highest among the groups gnomAD compares: African/African-American, 0.0031%; no homozygotes.

Submission:

Labcorp Genetics (formerly Invitae), Labcorp
Classification: Uncertain significance. Last evaluated: 2022-11-16. Review status: criteria provided, single submitter. Criteria: Invitae Variant Classification Sherloc (09022015). Collection method: clinical testing. Allele origin: germline.
Comment: Variants that disrupt the consensus splice site are a relatively common cause of aberrant splicing (PMID: 17576681, 9536098). Algorithms developed to predict the effect of sequence changes on RNA splicing suggest that this variant is not likely to affect RNA splicing. This variant has not been reported in the literature in individuals affected with VAV1-related conditions. The frequency data for this variant in the population databases is considered unreliable, as metrics indicate poor data quality at this position in the gnomAD database. This sequence change falls in intron 5 of the VAV1 gene. It does not directly change the encoded amino acid sequence of the VAV1 protein. It affects a nucleotide within the consensus splice site. In summary, the available evidence is currently insufficient to determine the role of this variant in disease. Therefore, it has been classified as a Variant of Uncertain Significance.

Literature cited by the submitters: PubMed 17576681; PubMed 9536098.

NM_005428.4(VAV1):c.558+4C>T

Gene: VAV1 (vav guanine nucleotide exchange factor 1; plus strand). Cytogenetic location: 19p13.3.
Variant type: single nucleotide variant.
Coding change: c.558+4C>T on transcript NM_005428.4 (MANE Select); 4 bases into the intron after coding-DNA position 558, C replaced by T.
Molecular consequence: intron variant.
Genome position (GRCh38, 1-based): chr19:6,822,333, C>T. VCF-style: chr19-6822333-C-T. GRCh37 (hg19) VCF-style: chr19-6822344-C-T.
Other names: c.558+4C>T (NM_001258206.2, NM_001258207.2).
Identifiers: ClinVar variation 2778716 (VCV002778716.3), dbSNP rs1295584359, ClinGen allele CA631722954.